The following is an entry in ClinVar:

ClinVar aggregate classification (germline): Uncertain significance. Review status: criteria provided, multiple submitters, no conflicts (2 of 4 stars). 9 submissions from 9 submitters: Uncertain significance (7). 2 of the submissions do not count toward it. Last evaluated 2025-12-19.

Conditions:
ATM-related disorder. Also called: ATM-related disorders; ATM-related condition.
Hereditary cancer-predisposing syndrome. Also called: Neoplastic Syndromes, Hereditary; Tumor predisposition; Hereditary neoplastic syndrome; Hereditary Cancer Syndrome. Identifiers: Orphanet 140162, MedGen C0027672, MeSH D009386, MONDO:0015356.
Familial cancer of breast. Also called: Hereditary breast cancer; BREAST CANCER, FAMILIAL; hereditary breast carcinoma. Identifiers: Orphanet 227535, MedGen C0346153, MONDO:0016419, OMIM 114480. Disease mechanism: loss of function.
Ataxia-telangiectasia syndrome (AT). Also called: Cerebello-oculocutaneous telangiectasia; Immunodeficiency with ataxia telangiectasia; AT, COMPLEMENTATION GROUP C; LOUIS-BAR SYNDROME; Ataxia-telangiectasia, complementation group E; ATAXIA-TELANGIECTASIA, COMPLEMENTATION GROUP A. Identifiers: Orphanet 100, MedGen C0004135, MONDO:0008840, OMIM 208900.

Allele frequency attached by ClinVar (database versions not stated): gnomAD exomes below 0.00001 and 0.00004; gnomAD 0.00002; TOPMed 0.00003.
gnomAD v4.1: 55 of 1,589,612 alleles (0.0035%); highest among the groups gnomAD compares: East Asian, 0.0067%; no homozygotes.

Submissions (9):

Labcorp Genetics (formerly Invitae), Labcorp
Classification: Uncertain significance for Ataxia-telangiectasia syndrome. Last evaluated: 2025-12-19. Review status: criteria provided, single submitter. Criteria: Invitae Variant Classification Sherloc (09022015). Collection method: clinical testing. Allele origin: germline.
Comment: This sequence change falls in intron 23 of the ATM gene. It does not directly change the encoded amino acid sequence of the ATM protein. It affects a nucleotide within the consensus splice site. This variant is present in population databases (rs786203688, gnomAD 0.0009%). This variant has not been reported in the literature in individuals affected with ATM-related conditions. ClinVar contains an entry for this variant (Variation ID: 187380). Variants that disrupt the consensus splice site are a relatively common cause of aberrant splicing (PMID: 17576681, 9536098). Studies have shown that this variant is associated with inconclusive levels of altered splicing (internal data). This variant disrupts the c.3402+3A nucleotide in the ATM gene. Other variant(s) that disrupt this nucleotide have been determined to be pathogenic (PMID: 35245693). This suggests that this nucleotide is clinically significant, and that variants that disrupt this position are likely to be disease-causing. In summary, the available evidence is currently insufficient to determine the role of this variant in disease. Therefore, it has been classified as a Variant of Uncertain Significance.

PreventionGenetics, part of Exact Sciences
Classification: Uncertain significance for ATM-related condition. Last evaluated: 2025-10-02. Review status: criteria provided, single submitter. Criteria: ACMG Guidelines, 2015. Collection method: clinical testing. Allele origin: germline.
Comment: The ATM c.3402+3A>G variant is predicted to interfere with splicing. This variant is predicted to impact splicing based on splicing prediction programs (SpliceAI, Jaganathan K, et al. 2019. PubMed ID: 30661751). However, the use of computer prediction programs is not equivalent to functional evidence. To our knowledge, this variant has not been reported in the literature. This variant is reported in 0.00088% of alleles in individuals of European (Non-Finnish) descent in gnomAD and is interpreted as uncertain in ClinVar (Variation ID: 187380). At this time, the clinical significance of this variant is uncertain due to the absence of conclusive functional and genetic evidence.

Ambry Genetics
Classification: Uncertain significance for Hereditary cancer-predisposing syndrome. Last evaluated: 2025-03-03. Review status: criteria provided, single submitter. Criteria: Ambry Variant Classification Scheme 2023. Collection method: clinical testing. Allele origin: germline.
Comment: The c.3402+3A>G intronic variant results from an A to G substitution 3 nucleotides after coding exon 22 in the ATM gene. This nucleotide position is well conserved in available vertebrate species. In silico splice site analysis predicts that this alteration may weaken the native splice donor site; however direct evidence is insufficient at this time (Ambry internal data). Based on the available evidence, the clinical significance of this variant remains unclear.

Color Diagnostics, LLC DBA Color Health
Classification: Uncertain significance for Hereditary cancer-predisposing syndrome. Last evaluated: 2025-02-10. Review status: criteria provided, single submitter. Criteria: ACMG Guidelines, 2015. Collection method: clinical testing. Allele origin: germline.
Comment: This variant causes an A to G nucleotide substitution at the +3 position of intron 23 of the ATM gene. Splice site prediction tools predict that this variant may impact RNA splicing. To our knowledge, RNA studies have not been reported for this variant. This variant has been identified in 1/250452 chromosomes in the general population by the Genome Aggregation Database (gnomAD). Loss of ATM function is a known mechanism of disease. Although there is suspicion that this variant may be associated with disease, additional studies are necessary to determine the role of this variant in disease conclusively. Therefore, this variant is classified as a Variant of Uncertain Significance.

GeneDx
Classification: Uncertain significance. Last evaluated: 2023-06-05. Review status: criteria provided, single submitter. Criteria: GeneDx Variant Classification Process June 2021. Collection method: clinical testing. Allele origin: germline. Affected: yes.
Comment: Not observed at significant frequency in large population cohorts (gnomAD); Has not been previously published as pathogenic or benign to our knowledge; In silico analysis is inconclusive as to whether the variant alters gene splicing. In the absence of RNA/functional studies, the actual effect of this sequence change is unknown.

Women's Health and Genetics/Laboratory Corporation of America, LabCorp
Classification: Uncertain significance. Last evaluated: 2022-05-30. Review status: criteria provided, single submitter. Criteria: LabCorp Variant Classification Summary - May 2015. Collection method: clinical testing. Allele origin: germline.

Sema4
Classification: Uncertain significance for Hereditary cancer-predisposing syndrome. Last evaluated: 2021-07-12. Review status: criteria provided, single submitter. Criteria: Sema4 Curation Guidelines. Collection method: curation. Allele origin: germline.
Comment: The ATM c.3402+3A>G variant has not been reported in the literature to our knowledge. It was observed in 1/113096 chromosomes of the Non-Finnish European subpopulation in the large and broad cohorts of the Genome Aggregation Database (PMID: 32461654). The variant has been reported in ClinVar (Variation ID 187380). Splice site prediction tools suggest the variant may disrupt normal splicing; however, these predictions have not been confirmed by published transcriptional studies. The evidence is insufficient to meet ACMG/AMP criteria for classifying the variant as benign or pathogenic. Thus, the clinical significance of this variant is currently uncertain.

Natera, Inc.
Classification: Uncertain significance for Ataxia-telangiectasia. Last evaluated: 2020-09-16. Review status: no assertion criteria provided. Collection method: clinical testing. Allele origin: germline. Not counted in ClinVar's aggregate classification.

Counsyl
Classification: Uncertain significance for Ataxia-telangiectasia syndrome. Last evaluated: 2017-03-20. Review status: no assertion criteria provided. Collection method: clinical testing. Allele origin: unknown. Not counted in ClinVar's aggregate classification.

Literature cited by the submitters: PubMed 17576681 (cited by Labcorp Genetics (formerly Invitae), Labcorp); PubMed 9536098 (cited by Labcorp Genetics (formerly Invitae), Labcorp); PubMed 35245693 (cited by Labcorp Genetics (formerly Invitae), Labcorp).

NM_000051.4(ATM):c.3402+3A>G

Gene: ATM (ATM serine/threonine kinase; plus strand). Cytogenetic location: 11q22.3.
Variant type: single nucleotide variant.
Coding change: c.3402+3A>G on transcript NM_000051.4 (MANE Select); 3 bases into the intron after coding-DNA position 3402, A replaced by G.
Molecular consequence: intron variant.
Genome position (GRCh38, 1-based): chr11:108,279,611, A>G. VCF-style: chr11-108279611-A-G. GRCh37 (hg19) VCF-style: chr11-108150338-A-G.
Other names: c.3402+3A>G (NM_001351834.2).
Identifiers: ClinVar variation 187380 (VCV000187380.31), dbSNP rs786203688, ClinGen allele CA197505.